The following is an entry in ClinVar:

ClinVar aggregate classification (germline): Likely pathogenic (1 of 4 stars; one submission).

gnomAD v4.1: 4 of 1,419,278 alleles (0.00028%); highest among the groups gnomAD compares: Non-Finnish European, 0.00036%; no homozygotes.

Submission:

Dasa
Classification: Likely pathogenic. Last evaluated: 2025-05-26. Review status: criteria provided, single submitter. Criteria: DASA Assertion Criteria. Collection method: clinical testing. Allele origin: germline.
Comment: NM_181789.4(GLDN):c.7C>T (p.Arg3*) is a nonsense variant in GLDN predicted to introduce a premature termination codon and is predicted to result in an absent or altered protein product. Loss of function is an established disease mechanism for GLDN-associated disorders. Also, this variant is rare in population databases. Based on the currently available evidence, this variant is classified as likely pathogenic.

NM_181789.4(GLDN):c.7C>T (p.Arg3Ter)

Gene: GLDN (gliomedin; plus strand). Cytogenetic location: 15q21.2.
Variant type: single nucleotide variant.
Coding change: c.7C>T on transcript NM_181789.4 (MANE Select); coding-DNA position 7, C replaced by T.
Protein change: p.Arg3Ter; replaces arginine 3 with a stop codon.
Molecular consequence: nonsense.
Genome position (GRCh38, 1-based): chr15:51,341,691, C>T. VCF-style: chr15-51341691-C-T. GRCh37 (hg19) VCF-style: chr15-51633888-C-T.
Other names: short protein forms R3*.
Identifiers: ClinVar variation 4886262 (VCV004886262.2).